The following is an entry in ClinVar:

NM_004655.4(AXIN2):c.1326C>T (p.His442=)

Gene: AXIN2 (axin 2; minus strand). Cytogenetic location: 17q24.1.
Variant type: single nucleotide variant.
Coding change: c.1326C>T on transcript NM_004655.4 (MANE Select); coding-DNA position 1326, C replaced by T.
Protein change: p.His442=; no amino-acid change (histidine 442 retained).
Molecular consequence: synonymous variant.
Genome position (GRCh38, 1-based): chr17:65,537,710, G>A on the plus strand (C>T on the coding strand, the complement: AXIN2 is on the minus strand). VCF-style: chr17-65537710-G-A. GRCh37 (hg19) VCF-style: chr17-63533828-G-A.
Other names: c.1326C>T, p.His442= (NM_001363813.1); c.1326C>T (LRG_296t1).
Identifiers: ClinVar variation 464539 (VCV000464539.14), dbSNP rs1555577987, ClinGen allele CA501691269.

ClinVar aggregate classification (germline): Benign/Likely benign. Review status: criteria provided, multiple submitters, no conflicts (2 of 4 stars). 3 submissions from 3 submitters: Benign (1); Likely benign (2). Last evaluated 2025-09-19.

Conditions:
Oligodontia-cancer predisposition syndrome. Also called: TOOTH AGENESIS-COLORECTAL CANCER SYNDROME. Identifiers: Orphanet 300576, MedGen C1837750, MONDO:0012075, OMIM 608615. Disease mechanism: loss of function.
Hereditary cancer-predisposing syndrome. Also called: Neoplastic Syndromes, Hereditary; Tumor predisposition; Hereditary Cancer Syndrome; Hereditary neoplastic syndrome. Identifiers: Orphanet 140162, MedGen C0027672, MeSH D009386, MONDO:0015356.

Allele frequency attached by ClinVar (database versions not stated): gnomAD exomes below 0.00001.
gnomAD v4.1: 5 of 1,559,592 alleles (0.00032%); highest among the groups gnomAD compares: Non-Finnish European, 0.00043%; no homozygotes.

Submissions (3):

Labcorp Genetics (formerly Invitae), Labcorp
Classification: Likely benign for Oligodontia-cancer predisposition syndrome. Last evaluated: 2025-09-19. Review status: criteria provided, single submitter. Criteria: Invitae Variant Classification Sherloc (09022015). Collection method: clinical testing. Allele origin: germline.

Myriad Genetics, Inc.
Classification: Benign for Oligodontia-cancer predisposition syndrome. Last evaluated: 2024-07-02. Review status: criteria provided, single submitter. Criteria: Myriad Autosomal Dominant, Autosomal Recessive and X-Linked Classification Criteria (2023). Collection method: clinical testing. Allele origin: unknown.
Comment: This variant is considered benign. This variant is a silent/synonymous amino acid change and it is not expected to impact splicing.

Ambry Genetics
Classification: Likely benign for Hereditary cancer-predisposing syndrome. Last evaluated: 2021-02-01. Review status: criteria provided, single submitter. Criteria: Ambry Variant Classification Scheme 2023. Collection method: clinical testing. Allele origin: germline.